The following is an entry in ClinVar:

ClinVar aggregate classification (germline): Benign/Likely benign. Review status: criteria provided, multiple submitters, no conflicts (2 of 4 stars). 5 submissions from 5 submitters: Benign (1); Likely benign (4). Last evaluated 2025-12-20.

Conditions:
Catecholaminergic polymorphic ventricular tachycardia 1. Also called: VENTRICULAR TACHYCARDIA, STRESS-INDUCED POLYMORPHIC 1; VENTRICULAR TACHYCARDIA, CATECHOLAMINERGIC POLYMORPHIC, 1, WITH OR WITHOUT ATRIAL DYSFUNCTION AND/OR DILATED CARDIOMYOPATHY; RYR2-Related Catecholaminergic Polymorphic Ventricular Tachycardia. Identifiers: Orphanet 3286, MedGen C1631597, MONDO:0011484, OMIM 604772.

Allele frequency attached by ClinVar (database versions not stated): gnomAD 0.00002 and 0.00003; gnomAD exomes 0.00002 and 0.00005; TOPMed 0.00005; ExAC 0.00006.
gnomAD v4.1: 34 of 1,613,044 alleles (0.0021%); highest among the groups gnomAD compares: Admixed American, 0.015%; no homozygotes.

Submissions (5):

Labcorp Genetics (formerly Invitae), Labcorp
Classification: Likely benign for Catecholaminergic polymorphic ventricular tachycardia 1. Last evaluated: 2025-12-20. Review status: criteria provided, single submitter. Criteria: Invitae Variant Classification Sherloc (09022015). Collection method: clinical testing. Allele origin: germline.

Molecular Diagnostic Laboratory for Inherited Cardiovascular Disease, Montreal Heart Institute
Classification: Likely benign. Last evaluated: 2025-04-09. Review status: criteria provided, single submitter. Criteria: ACMG Guidelines, 2015. Collection method: clinical testing. Allele origin: germline. Affected: no.

Blueprint Genetics
Classification: Likely benign. Last evaluated: 2023-11-14. Review status: criteria provided, single submitter. Criteria: ACMG Guidelines, 2015. Collection method: clinical testing. Allele origin: germline.

Women's Health and Genetics/Laboratory Corporation of America, LabCorp
Classification: Benign. Last evaluated: 2023-10-29. Review status: criteria provided, single submitter. Criteria: LabCorp Variant Classification Summary - May 2015. Collection method: clinical testing. Allele origin: germline.

GeneDx
Classification: Likely benign. Last evaluated: 2016-05-20. Review status: criteria provided, single submitter. Criteria: GeneDx Variant Classification (06012015). Collection method: clinical testing. Allele origin: germline. Affected: yes.
Comment: This variant is considered likely benign or benign based on one or more of the following criteria: it is a conservative change, it occurs at a poorly conserved position in the protein, it is predicted to be benign by multiple in silico algorithms, and/or has population frequency not consistent with disease.

NM_001035.3(RYR2):c.2396+10T>C

Gene: RYR2 (ryanodine receptor 2; plus strand). Cytogenetic location: 1q43.
Variant type: single nucleotide variant.
Coding change: c.2396+10T>C on transcript NM_001035.3 (MANE Select); 10 bases into the intron after coding-DNA position 2396, T replaced by C.
Molecular consequence: intron variant.
Genome position (GRCh38, 1-based): chr1:237,500,913, T>C. VCF-style: chr1-237500913-T-C. GRCh37 (hg19) VCF-style: chr1-237664213-T-C.
Other names: c.2396+10T>C (LRG_402t1).
Identifiers: ClinVar variation 238229 (VCV000238229.15), dbSNP rs745329806, ClinGen allele CA086028.